The following is an entry in ClinVar:

ClinVar aggregate classification (germline): Likely pathogenic (1 of 4 stars; one submission).

Conditions:
Majeed syndrome (MJDS). Also called: LPIN2-Related Majeed Syndrome; CHRONIC RECURRENT MULTIFOCAL OSTEOMYELITIS 1, WITH CONGENITAL DYSERYTHROPOIETIC ANEMIA, WITH OR WITHOUT NEUTROPHILIC DERMATOSIS. Identifiers: Orphanet 77297, MedGen C1864997, MONDO:0012316, OMIM 609628.

Submission:

Labcorp Genetics (formerly Invitae), Labcorp
Classification: Likely pathogenic for Majeed syndrome. Last evaluated: 2023-06-04. Review status: criteria provided, single submitter. Criteria: Invitae Variant Classification Sherloc (09022015). Collection method: clinical testing. Allele origin: germline.
Comment: ClinVar contains an entry for this variant (Variation ID: 1066965). Algorithms developed to predict the effect of sequence changes on RNA splicing suggest that this variant may disrupt the consensus splice site. In summary, the currently available evidence indicates that the variant is pathogenic, but additional data are needed to prove that conclusively. Therefore, this variant has been classified as Likely Pathogenic. This variant has not been reported in the literature in individuals affected with LPIN2-related conditions. This sequence change affects a donor splice site in intron 3 of the LPIN2 gene. It is expected to disrupt RNA splicing. Variants that disrupt the donor or acceptor splice site typically lead to a loss of protein function (PMID: 16199547), and loss-of-function variants in LPIN2 are known to be pathogenic (PMID: 15994876, 23087183). This variant is not present in population databases (gnomAD no frequency).

Literature cited by the submitters: PubMed 16199547; PubMed 15994876; PubMed 23087183.

NM_001375808.2(LPIN2):c.288+2T>G

Gene: LPIN2 (lipin 2; minus strand). Cytogenetic location: 18p11.31.
Variant type: single nucleotide variant.
Coding change: c.288+2T>G on transcript NM_001375808.2 (MANE Select); the canonical splice donor site of the intron after coding-DNA position 288, T replaced by G.
Molecular consequence: splice donor variant.
Genome position (GRCh38, 1-based): chr18:2,954,502, A>C on the plus strand (T>G on the coding strand, the complement: LPIN2 is on the minus strand). VCF-style: chr18-2954502-A-C. GRCh37 (hg19) VCF-style: chr18-2954500-A-C.
Other names: c.288+2T>G (NM_014646.2, NM_001375809.1).
Identifiers: ClinVar variation 1066965 (VCV001066965.7), dbSNP rs2143137428, ClinGen allele CA401710292.